The following is an entry in ClinVar:

NM_001145809.2(MYH14):c.3766A>G (p.Arg1256Gly)

Gene: MYH14 (myosin heavy chain 14; plus strand). Cytogenetic location: 19q13.33.
Variant type: single nucleotide variant.
Coding change: c.3766A>G on transcript NM_001145809.2 (MANE Select); coding-DNA position 3766, A replaced by G.
Protein change: p.Arg1256Gly; replaces arginine 1256 with glycine.
Molecular consequence: missense variant.
Genome position (GRCh38, 1-based): chr19:50,276,842, A>G. VCF-style: chr19-50276842-A-G. GRCh37 (hg19) VCF-style: chr19-50780099-A-G.
Other names: c.3667A>G, p.Arg1223Gly (NM_001077186.2); c.3643A>G, p.Arg1215Gly (NM_024729.4); short protein forms R1223G, R1215G, R1256G.
Identifiers: ClinVar variation 2811009 (VCV002811009.3), dbSNP rs2514423484, ClinGen allele CA406955658.
Genomic context (GRCh38, chr19:50,276,842, plus strand): 5'-GAGCTGAAGAAGACTCTGGAGGAGGAGACTCGCATCCACGAGGCGGCAGTGCAGGAGCTG[A>G]GGCAGCGCCACGGCCAGGCCCTGGGGGAGCTGGCGGAGCAGCTGGAGCAGGCCCGGAGGG-3'
Protein context (NP_001139281.1, residues 1246-1266): RIHEAAVQEL[Arg1256Gly]QRHGQALGEL

ClinVar aggregate classification (germline): Uncertain significance (1 of 4 stars; one submission).

Allele frequency attached by ClinVar (database versions not stated): gnomAD exomes below 0.00001.
gnomAD v4.1: 1 of 1,598,552 alleles (0.000063%); highest among the groups gnomAD compares: South Asian, 0.0011%; no homozygotes.

Submission:

Labcorp Genetics (formerly Invitae), Labcorp
Classification: Uncertain significance. Last evaluated: 2023-01-03. Review status: criteria provided, single submitter. Criteria: Invitae Variant Classification Sherloc (09022015). Collection method: clinical testing. Allele origin: germline.
Comment: In summary, the available evidence is currently insufficient to determine the role of this variant in disease. Therefore, it has been classified as a Variant of Uncertain Significance. Advanced modeling of protein sequence and biophysical properties (such as structural, functional, and spatial information, amino acid conservation, physicochemical variation, residue mobility, and thermodynamic stability) performed at Invitae indicates that this missense variant is expected to disrupt MYH14 protein function. This variant has not been reported in the literature in individuals affected with MYH14-related conditions. This variant is not present in population databases (gnomAD no frequency). This sequence change replaces arginine, which is basic and polar, with glycine, which is neutral and non-polar, at codon 1215 of the MYH14 protein (p.Arg1215Gly).